The following is an entry in ClinVar:

NM_005732.4(RAD50):c.1311_1312del (p.Gly438fs)

Gene: RAD50 (RAD50 double strand break repair protein; plus strand). Cytogenetic location: 5q31.1.
Variant type: Deletion.
Coding change: c.1311_1312del on transcript NM_005732.4 (MANE Select); coding-DNA positions 1311 to 1312, 2 bases deleted (TG; older notation c.1311_1312delTG).
Protein change: p.Gly438fs; shifts the reading frame from glycine 438.
Molecular consequence: frameshift variant.
Genome position (GRCh38, 1-based): chr5:132,589,696-132,589,697, TG deleted. VCF-style (leftmost placement, unchanged base first): chr5-132589695-CTG-C. GRCh37 (hg19) VCF-style: chr5-131925387-CTG-C.
Other names: c.1311_1312delTG (NM_005732.3); short protein forms G438fs.
Identifiers: ClinVar variation 849771 (VCV000849771.11), dbSNP rs1463759914, ClinGen allele CA804023933.

ClinVar aggregate classification (germline): Pathogenic. Review status: criteria provided, multiple submitters, no conflicts (2 of 4 stars). 2 submissions from 2 submitters: Pathogenic (2). Last evaluated 2024-09-18.

Conditions:
Hereditary cancer-predisposing syndrome. Also called: Tumor predisposition; Neoplastic Syndromes, Hereditary; Hereditary neoplastic syndrome; Hereditary Cancer Syndrome. Identifiers: Orphanet 140162, MedGen C0027672, MeSH D009386, MONDO:0015356.

Allele frequency attached by ClinVar (database versions not stated): TOPMed 0.00001.

Submissions (2):

Ambry Genetics
Classification: Pathogenic for Hereditary cancer-predisposing syndrome. Last evaluated: 2024-09-18. Review status: criteria provided, single submitter. Criteria: Ambry Variant Classification Scheme 2023. Collection method: clinical testing. Allele origin: germline.
Comment: The c.1311_1312delTG pathogenic mutation, located in coding exon 9 of the RAD50 gene, results from a deletion of two nucleotides at nucleotide positions 1311 to 1312, causing a translational frameshift with a predicted alternate stop codon (p.G438Tfs*6). This alteration is expected to result in loss of function by premature protein truncation or nonsense-mediated mRNA decay. As such, this alteration is interpreted as a disease-causing mutation.

Labcorp Genetics (formerly Invitae), Labcorp
Classification: Pathogenic for Hereditary cancer-predisposing syndrome. Last evaluated: 2021-10-08. Review status: criteria provided, single submitter. Criteria: Invitae Variant Classification Sherloc (09022015). Collection method: clinical testing. Allele origin: germline.
Comment: For these reasons, this variant has been classified as Pathogenic. Loss-of-function variants in RAD50 are known to be pathogenic (PMID: 16385572, 19409520). This variant has not been reported in the literature in individuals with RAD50-related conditions. This variant is not present in population databases (ExAC no frequency). This sequence change creates a premature translational stop signal (p.Gly438Thrfs*6) in the RAD50 gene. It is expected to result in an absent or disrupted protein product.

Literature cited by the submitters: PubMed 16385572 (cited by Labcorp Genetics (formerly Invitae), Labcorp); PubMed 19409520 (cited by Labcorp Genetics (formerly Invitae), Labcorp).